The following is an entry in ClinVar:

NM_001348323.3(TRIP12):c.3490dup (p.Ile1164fs)

Gene: TRIP12 (thyroid hormone receptor interactor 12; minus strand). Cytogenetic location: 2q36.3.
Variant type: Duplication.
Coding change: c.3490dup on transcript NM_001348323.3 (MANE Select); coding-DNA position 3490, one base duplicated (A; older notation c.3490dupA).
Protein change: p.Ile1164fs; shifts the reading frame from isoleucine 1164.
Molecular consequence: frameshift variant.
Genome position (GRCh38, 1-based): chr2:229,797,824, T duplicated on the plus strand (A on the coding strand, the reverse complement: TRIP12 is on the minus strand); the first of 6 consecutive T bases (chr2:229,797,824-229,797,829); duplicating any one gives the same sequence. VCF-style (leftmost placement, unchanged base first): chr2-229797823-A-AT. GRCh37 (hg19) VCF-style: chr2-230662539-A-AT.
Other names: c.3409dup, p.Ile1137fs (NM_001284214.2, NM_001348315.2); c.3364dup, p.Ile1122fs (NM_001284215.2, NM_001348316.2, NM_001348317.1 and 1 more transcripts); c.2455dup, p.Ile819fs (NM_001284216.2); c.3490dup, p.Ile1164fs (NM_001348319.1, NM_001348320.2, NM_001348322.1 and 4 more transcripts); c.3493dup, p.Ile1165fs (NM_001348321.1, NM_001348328.1, NM_001348329.2 and 1 more transcripts); c.3265dup (NM_004238.2); c.3265dupA (NM_004238.2); c.3283dup, p.Ile1095fs (NM_001348331.1); and 3 more; short protein forms I1089fs, I1095fs, I1122fs, I1135fs, I1137fs, I1138fs, I1164fs, I1165fs.
Identifiers: ClinVar variation 985862 (VCV000985862.11), dbSNP rs2043184881, ClinGen allele CA1139532831.

ClinVar aggregate classification (germline): Pathogenic. Review status: criteria provided, multiple submitters, no conflicts (2 of 4 stars). 6 submissions from 6 submitters: Pathogenic (6). Last evaluated 2026-09-28.

Conditions:
Inborn genetic diseases. Identifiers: MedGen C0950123, MeSH D030342.
Clark-Baraitser syndrome. Also called: BARAITSER SYNDROME; Mental retardation, tall stature, obesity, macrocephaly and typical facial features; MENTAL RETARDATION, AUTOSOMAL DOMINANT 49; Intellectual disability, autosomal dominant 49. Identifiers: Orphanet 600731, MedGen C2931130, MONDO:0030914, OMIM 617752.

Submissions (6):

GeneDx
Classification: Pathogenic. Last evaluated: 2026-09-28. Review status: criteria provided, single submitter. Criteria: GeneDx Variant Classification Process June 2021. Collection method: clinical testing. Allele origin: germline.
Comment: Frameshift variant predicted to result in protein truncation or nonsense mediated decay in a gene for which loss of function is a known mechanism of disease; Not observed at significant frequency in large population cohorts (gnomAD); Has not been previously published as pathogenic or benign to our knowledge

Genetics Laboratory, UDIAT-Centre Diagnòstic, Hospital Universitari Parc Tauli
Classification: Pathogenic for Clark-Baraitser syndrome. Last evaluated: 2025-04-07. Review status: criteria provided, single submitter. Criteria: ACMG Guidelines, 2015. Collection method: clinical testing. Allele origin: unknown. Inheritance: Autosomal dominant inheritance. Affected: yes.
Comment: PVS1_very strong;PS4_strong;PM1_supporting

Ambry Genetics
Classification: Pathogenic for Inborn genetic diseases. Last evaluated: 2023-07-25. Review status: criteria provided, single submitter. Criteria: Ambry Variant Classification Scheme 2023. Collection method: clinical testing. Allele origin: germline.
Comment: The c.3265dupA (p.I1089Nfs*2) alteration, located in coding exon 22 of the TRIP12 gene, consists of a duplication of A at position 3265, causing a translational frameshift with a predicted alternate stop codon after 2 amino acids. This alteration is expected to result in loss of function by premature protein truncation or nonsense-mediated mRNA decay. This variant was not reported in population-based cohorts in the Genome Aggregation Database (gnomAD). Based on the available evidence, this alteration is classified as pathogenic.

Centre of Medical Genetics, University Hospital Muenster
Classification: Pathogenic. Last evaluated: 2022-11-07. Review status: criteria provided, single submitter. Criteria: ACMG Guidelines, 2015. Collection method: clinical testing. Allele origin: unknown. Affected: yes. Observed: 1 variant allele, 1 heterozygote.
Comment: ACMG categories: PVS1,PM2,PP5

Institute of Medical Genetics and Applied Genomics, University Hospital Tübingen
Classification: Pathogenic. Last evaluated: 2020-10-23. Review status: criteria provided, single submitter. Criteria: ACMG Guidelines, 2015. Collection method: clinical testing. Allele origin: germline. Inheritance: Unknown mechanism. Affected: yes.

Victorian Clinical Genetics Services, Murdoch Childrens Research Institute
Classification: Pathogenic for Clark-Baraitser syndrome. Last evaluated: 2020-10-19. Review status: criteria provided, single submitter. Criteria: ACMG Guidelines, 2015. Collection method: clinical testing. Allele origin: germline. Inheritance: Autosomal dominant inheritance.
Comment: Based on the classification scheme VCGS_Germline_v1.3.2, this variant is classified as Pathogenic. Following criteria are met: 0102 - Loss of function is a known mechanism of disease in this gene and is associated with Clark-Baraitser syndrome. (I) 0107 - This gene is associated with autosomal dominant disease. (I) 0202 - Variant is predicted to cause nonsense-mediated decay (NMD) and loss of protein (premature termination codon is located at least 54 nucleotides upstream of the final exon-exon junction), but is located in an exon that may undergo alternative splicing. (SP) 0251 - This variant is heterozygous. (I) 0301 - Variant is absent from gnomAD (both v2 and v3). (SP) 0701 - Other NMD-predicted variant(s) comparable to the one identified in this case have very strong previous evidence for pathogenicity. There are more than 10 likely pathogenic/pathogenic NMD-predicted variants in this gene. These comparable variants are also located in exons that may undergo alternative splicing but are present in NM_004238.2 (ClinVar, Deciphering Developmental Disorders (DDD) Study). (SP) 0807 - This variant has no previous evidence of pathogenicity. (I) 0905 - No published segregation evidence has been identified for this variant. (I) 1007 - No published functional evidence has been identified for this variant. (I) 1208 - Inheritance information for this variant is not currently available in this individual. (I) Legend: (SP) - Supporting pathogenic, (I) - Information, (SB) - Supporting benign